The following is an entry in ClinVar:

NM_000089.4(COL1A2):c.1985T>C (p.Leu662Pro)

Gene: COL1A2 (collagen type I alpha 2 chain; plus strand). Cytogenetic location: 7q21.3.
Variant type: single nucleotide variant.
Coding change: c.1985T>C on transcript NM_000089.4 (MANE Select); coding-DNA position 1985, T replaced by C.
Protein change: p.Leu662Pro; replaces leucine 662 with proline.
Molecular consequence: missense variant.
Genome position (GRCh38, 1-based): chr7:94,418,512, T>C. VCF-style: chr7-94418512-T-C. GRCh37 (hg19) VCF-style: chr7-94047824-T-C.
Other names: short protein forms L662P.
Identifiers: ClinVar variation 1311908 (VCV001311908.3), dbSNP rs1490580465, ClinGen allele CA368223009.
Genomic context (GRCh38, chr7:94,418,512, plus strand): 5'-AAATTTTGGTCAGAAAACAAAAAGTTGCTCTTGCTTTATACTTTCAGGGTGAACCTGGTC[T>C]CAGAGGTGAAATTGGTAACCCTGGCAGAGATGGTGCTCGTGTGAGTAGAATTTTGTTTGT-3'
Protein context (NP_000080.2, residues 652-672): GGKGEKGEPG[Leu662Pro]RGEIGNPGRD

ClinVar aggregate classification (germline): Uncertain significance. Review status: criteria provided, multiple submitters, no conflicts (2 of 4 stars). 2 submissions from 2 submitters: Uncertain significance (2). Last evaluated 2025-10-14.

Conditions:
Osteogenesis imperfecta type I (OI1). Also called: OI, TYPE I; OSTEOGENESIS IMPERFECTA TARDA; OSTEOGENESIS IMPERFECTA WITH BLUE SCLERAE; Osteogenesis imperfecta type 1; Lobstein's Disease; Lobstein disease. Identifiers: Orphanet 216796, Orphanet 666, MedGen C0023931, MONDO:0008146, OMIM 166200. Disease mechanism: loss of function.
Ehlers-Danlos syndrome, classic type, 1 (EDSCL1). Also called: EHLERS-DANLOS SYNDROME, GRAVIS TYPE; EHLERS-DANLOS SYNDROME, SEVERE CLASSIC TYPE; Ehlers-Danlos syndrome, type 1; EDS I; Ehlers-Danlos Syndrome, Classic Type, COL5A1-Related. Identifiers: MedGen C0268335, MONDO:0019567, OMIM 130000.

Allele frequency attached by ClinVar (database versions not stated): gnomAD exomes below 0.00001; TOPMed 0.00001; gnomAD 0.00001.
gnomAD v4.1: 3 of 1,613,910 alleles (0.00019%); highest among the groups gnomAD compares: East Asian, 0.0067%; no homozygotes.

Submissions (2):

Labcorp Genetics (formerly Invitae), Labcorp
Classification: Uncertain significance for Osteogenesis imperfecta type I; Ehlers-Danlos syndrome, classic type, 1. Last evaluated: 2025-10-14. Review status: criteria provided, single submitter. Criteria: Invitae Variant Classification Sherloc (09022015). Collection method: clinical testing. Allele origin: germline.
Comment: This sequence change replaces leucine, which is neutral and non-polar, with proline, which is neutral and non-polar, at codon 662 of the COL1A2 protein (p.Leu662Pro). This variant is present in population databases (no rsID available, gnomAD 0.006%). This variant has not been reported in the literature in individuals affected with COL1A2-related conditions. ClinVar contains an entry for this variant (Variation ID: 1311908). Invitae Evidence Modeling of protein sequence and biophysical properties (such as structural, functional, and spatial information, amino acid conservation, physicochemical variation, residue mobility, and thermodynamic stability) indicates that this missense variant is not expected to disrupt COL1A2 protein function with a negative predictive value of 95%. In summary, the available evidence is currently insufficient to determine the role of this variant in disease. Therefore, it has been classified as a Variant of Uncertain Significance.

GeneDx
Classification: Uncertain significance. Last evaluated: 2020-01-07. Review status: criteria provided, single submitter. Criteria: GeneDx Variant Classification Process June 2021. Collection method: clinical testing. Allele origin: germline. Affected: yes.
Comment: In silico analysis, which includes protein predictors and evolutionary conservation, supports that this variant does not alter protein structure/function; Has not been previously published as pathogenic or benign to our knowledge